The following is an entry in ClinVar:

ClinVar aggregate classification (germline): Uncertain significance (1 of 4 stars; one submission).

Allele frequency attached by ClinVar (database versions not stated): gnomAD 0.00001; TOPMed 0.00001.

Submission:

Labcorp Genetics (formerly Invitae), Labcorp
Classification: Uncertain significance. Last evaluated: 2023-05-23. Review status: criteria provided, single submitter. Criteria: Invitae Variant Classification Sherloc (09022015). Collection method: clinical testing. Allele origin: germline.
Comment: In summary, the available evidence is currently insufficient to determine the role of this variant in disease. Therefore, it has been classified as a Variant of Uncertain Significance. Algorithms developed to predict the effect of missense changes on protein structure and function output the following: SIFT: "Not Available"; PolyPhen-2: "Benign"; Align-GVGD: "Not Available". The leucine amino acid residue is found in multiple mammalian species, which suggests that this missense change does not adversely affect protein function. ClinVar contains an entry for this variant (Variation ID: 960593). This variant has not been reported in the literature in individuals affected with SLC24A1-related conditions. This variant is present in population databases (rs367858805, gnomAD 0.004%). This sequence change replaces serine, which is neutral and polar, with leucine, which is neutral and non-polar, at codon 659 of the SLC24A1 protein (p.Ser659Leu).

NM_004727.3(SLC24A1):c.1976C>T (p.Ser659Leu)

Gene: SLC24A1 (solute carrier family 24 member 1; plus strand). Cytogenetic location: 15q22.31.
Variant type: single nucleotide variant.
Coding change: c.1976C>T on transcript NM_004727.3 (MANE Select); coding-DNA position 1976, C replaced by T.
Protein change: p.Ser659Leu; replaces serine 659 with leucine.
Molecular consequence: missense variant.
Genome position (GRCh38, 1-based): chr15:65,639,626, C>T. VCF-style: chr15-65639626-C-T. GRCh37 (hg19) VCF-style: chr15-65931964-C-T.
Other names: c.1976C>T, p.Ser659Leu (NM_001301031.1); c.1922C>T, p.Ser641Leu (NM_001301032.1, NM_001301033.2); short protein forms S659L, S641L.
Identifiers: ClinVar variation 960593 (VCV000960593.10), dbSNP rs367858805, ClinGen allele CA271597923.